The following is an entry in ClinVar:

NM_014319.5(LEMD3):c.2099G>T (p.Arg700Leu)

Gene: LEMD3 (LEM domain containing 3; plus strand). Cytogenetic location: 12q14.3.
Variant type: single nucleotide variant.
Coding change: c.2099G>T on transcript NM_014319.5 (MANE Select); coding-DNA position 2099, G replaced by T.
Protein change: p.Arg700Leu; replaces arginine 700 with leucine.
Molecular consequence: missense variant.
Genome position (GRCh38, 1-based): chr12:65,240,211, G>T. VCF-style: chr12-65240211-G-T. GRCh37 (hg19) VCF-style: chr12-65633991-G-T.
Other names: c.2096G>T, p.Arg699Leu (NM_001167614.2); short protein forms R699L, R700L.
Identifiers: ClinVar variation 2184659 (VCV002184659.4), dbSNP rs367618543, ClinGen allele CA6671134.

ClinVar aggregate classification (germline): Uncertain significance (1 of 4 stars; one submission).

Allele frequency attached by ClinVar (database versions not stated): gnomAD 0.00001; ExAC 0.00012.
gnomAD v4.1: 36 of 1,613,276 alleles (0.0022%); highest among the groups gnomAD compares: Non-Finnish European, 0.0029%; no homozygotes.

Submission:

Labcorp Genetics (formerly Invitae), Labcorp
Classification: Uncertain significance. Last evaluated: 2025-09-16. Review status: criteria provided, single submitter. Criteria: Invitae Variant Classification Sherloc (09022015). Collection method: clinical testing. Allele origin: germline.
Comment: This sequence change replaces arginine, which is basic and polar, with leucine, which is neutral and non-polar, at codon 700 of the LEMD3 protein (p.Arg700Leu). This variant is present in population databases (rs367618543, gnomAD 0.01%). This variant has not been reported in the literature in individuals affected with LEMD3-related conditions. ClinVar contains an entry for this variant (Variation ID: 2184659). Invitae Evidence Modeling of protein sequence and biophysical properties (such as structural, functional, and spatial information, amino acid conservation, physicochemical variation, residue mobility, and thermodynamic stability) indicates that this missense variant is expected to disrupt LEMD3 protein function with a positive predictive value of 80%. In summary, the available evidence is currently insufficient to determine the role of this variant in disease. Therefore, it has been classified as a Variant of Uncertain Significance.